The following is an entry in ClinVar:

NM_015272.5(RPGRIP1L):c.1638C>T (p.Leu546=)

Gene: RPGRIP1L (RPGRIP1 like; minus strand). Cytogenetic location: 16q12.2.
Variant type: single nucleotide variant.
Coding change: c.1638C>T on transcript NM_015272.5 (MANE Select); coding-DNA position 1638, C replaced by T.
Protein change: p.Leu546=; no amino-acid change (leucine 546 retained).
Molecular consequence: synonymous variant.
Genome position (GRCh38, 1-based): chr16:53,656,533, G>A on the plus strand (C>T on the coding strand, the complement: RPGRIP1L is on the minus strand). VCF-style: chr16-53656533-G-A. GRCh37 (hg19) VCF-style: chr16-53690445-G-A.
Other names: c.1638C>T, p.Leu546= (NM_001127897.4, NM_001308334.3, NM_001330538.2).
Identifiers: ClinVar variation 4985992 (VCV004985992.1).

ClinVar aggregate classification (germline): Likely benign (1 of 4 stars; one submission).

Conditions:
RPGRIP1L-related disorder. Also called: RPGRIP1L-related disorders; RPGRIP1L-related condition. Identifiers: MedGen CN239416.

Submission:

PreventionGenetics, part of Exact Sciences
Classification: Likely benign for RPGRIP1L-related condition. Last evaluated: 2025-09-26. Review status: criteria provided, single submitter. Criteria: ACMG Guidelines, 2015. Collection method: clinical testing. Allele origin: germline.
Comment: This variant is classified as likely benign based on ACMG/AMP sequence variant interpretation guidelines (Richards et al. 2015 PMID: 25741868, with internal and published modifications).